The following is an entry in ClinVar:

ClinVar aggregate classification (germline): Uncertain significance (1 of 4 stars; one submission).

Conditions:
Marfan syndrome (MFS). Also called: Marfan syndrome type 1; Marfan's syndrome; FBN1-Related Marfan Syndrome; MARFAN SYNDROME, TYPE I; Marfan syndrome, classic. Identifiers: Orphanet 284963, Orphanet 558, MedGen C0024796, MONDO:0007947, OMIM 154700.
Familial thoracic aortic aneurysm and aortic dissection (TAAD). Also called: Thoracic aortic aneurysms and dissections. Identifiers: Orphanet 91387, MedGen C4707243, MONDO:0019625.

Allele frequency attached by ClinVar (database versions not stated): gnomAD exomes below 0.00001.
gnomAD v4.1: 1 of 1,614,270 alleles (0.000062%); highest among the groups gnomAD compares: Admixed American, 0.0017%; no homozygotes.

Submission:

Labcorp Genetics (formerly Invitae), Labcorp
Classification: Uncertain significance for Marfan syndrome; Familial thoracic aortic aneurysm and aortic dissection. Last evaluated: 2023-08-17. Review status: criteria provided, single submitter. Criteria: Invitae Variant Classification Sherloc (09022015). Collection method: clinical testing. Allele origin: germline.
Comment: In summary, the available evidence is currently insufficient to determine the role of this variant in disease. Therefore, it has been classified as a Variant of Uncertain Significance. This sequence change replaces leucine, which is neutral and non-polar, with phenylalanine, which is neutral and non-polar, at codon 2710 of the FBN1 protein (p.Leu2710Phe). This variant is present in population databases (no rsID available, gnomAD 0.0009%). This variant has not been reported in the literature in individuals affected with FBN1-related conditions. ClinVar contains an entry for this variant (Variation ID: 1392376). Advanced modeling of protein sequence and biophysical properties (such as structural, functional, and spatial information, amino acid conservation, physicochemical variation, residue mobility, and thermodynamic stability) performed at Invitae indicates that this missense variant is expected to disrupt FBN1 protein function.

NM_000138.5(FBN1):c.8128C>T (p.Leu2710Phe)

Gene: FBN1 (fibrillin 1; minus strand). Cytogenetic location: 15q21.1.
Variant type: single nucleotide variant.
Coding change: c.8128C>T on transcript NM_000138.5 (MANE Select); coding-DNA position 8128, C replaced by T.
Protein change: p.Leu2710Phe; replaces leucine 2710 with phenylalanine.
Molecular consequence: missense variant.
Genome position (GRCh38, 1-based): chr15:48,412,667, G>A on the plus strand (C>T on the coding strand, the complement: FBN1 is on the minus strand). VCF-style: chr15-48412667-G-A. GRCh37 (hg19) VCF-style: chr15-48704864-G-A.
Other names: short protein forms L2710F.
Identifiers: ClinVar variation 1392376 (VCV001392376.6), dbSNP rs1342786403, ClinGen allele CA392321283.